The following is an entry in ClinVar:

ClinVar aggregate classification (germline): Pathogenic (1 of 4 stars; one submission).

Conditions:
Cockayne spectrum with or without cerebrooculofacioskeletal syndrome. Identifiers: MedGen CN315928, MONDO:0100506.

Submission:

Myriad Genetics, Inc.
Classification: Pathogenic for Cockayne spectrum with or without cerebrooculofacioskeletal syndrome. Last evaluated: 2024-08-02. Review status: criteria provided, single submitter. Criteria: Myriad Autosomal Dominant, Autosomal Recessive and X-Linked Classification Criteria (2023). Collection method: clinical testing. Allele origin: unknown.
Comment: NM_000124.2(ERCC6):c.3481delAinsCC(S1161Pfs*12) is expected to be pathogenic in the context of ERCC6-related disorders. This variant is predicted to lead to an abnormal or absent protein product due to the creation of a premature termination codon in ERCC6, a gene where loss-of-function variants are known to be pathogenic. Please note: this variant was assessed in the context of healthy population screening.

NM_000124.4(ERCC6):c.3481delinsCC (p.Ser1161fs)

Gene: ERCC6 (ERCC excision repair 6, chromatin remodeling factor; minus strand). Cytogenetic location: 10q11.23.
Variant type: Indel.
Coding change: c.3481delinsCC on transcript NM_000124.4 (MANE Select); coding-DNA position 3481, A replaced by CC.
Protein change: p.Ser1161fs; shifts the reading frame from serine 1161.
Molecular consequence: frameshift variant.
Genome position (GRCh38, 1-based): chr10:49,470,479, T replaced by GG on the plus strand (A replaced by CC on the coding strand, the reverse complement: ERCC6 is on the minus strand). VCF-style: chr10-49470479-T-GG. GRCh37 (hg19) VCF-style: chr10-50678525-T-GG.
Other names: c.3481delinsCC, p.Ser1161fs (NM_001346440.2); short protein forms S1161fs.
Identifiers: ClinVar variation 5013408 (VCV005013408.1).